The following is an entry in ClinVar:

ClinVar aggregate classification (germline): Uncertain significance (1 of 4 stars; one submission).

Conditions:
KMT2D-related disorder. Also called: KMT2D-Related Disorders.

gnomAD v4.1: 3 of 1,613,210 alleles (0.00019%); highest among the groups gnomAD compares: Admixed American, 0.0017%; no homozygotes.

Submission:

PreventionGenetics, part of Exact Sciences
Classification: Uncertain significance for KMT2D-related condition. Last evaluated: 2026-01-30. Review status: criteria provided, single submitter. Criteria: ACMG Guidelines, 2015. Collection method: clinical testing. Allele origin: germline.
Comment: The KMT2D c.6221A>G variant is predicted to result in the amino acid substitution p.Asn2074Ser. To our knowledge, this variant has not been reported in the literature. This variant is reported in 0.0033% of alleles in individuals of South Asian descent in gnomAD. This variant could be benign. At this time, the clinical significance of this variant is uncertain due to the absence of conclusive functional and genetic evidence.

NM_003482.4(KMT2D):c.6221A>G (p.Asn2074Ser)

Gene: KMT2D (lysine methyltransferase 2D; minus strand). Cytogenetic location: 12q13.12.
Variant type: single nucleotide variant.
Coding change: c.6221A>G on transcript NM_003482.4 (MANE Select); coding-DNA position 6221, A replaced by G.
Protein change: p.Asn2074Ser; replaces asparagine 2074 with serine.
Molecular consequence: missense variant.
Genome position (GRCh38, 1-based): chr12:49,041,668, T>C on the plus strand (A>G on the coding strand, the complement: KMT2D is on the minus strand). VCF-style: chr12-49041668-T-C. GRCh37 (hg19) VCF-style: chr12-49435451-T-C.
Other names: short protein forms N2074S.
Identifiers: ClinVar variation 4982345 (VCV004982345.1).
Genomic context (GRCh38, chr12:49,041,668, plus strand): 5'-AGGCCACCCACTAGAGGACTGCTACACCCCAGCCCAGCCCCACTCACCTTCTGCACCTTG[T>C]TGATGCGGTGAGCTGCCCGGTTATCTTTGGCCTTTTGCTGAGGGATATGGGACACAGCCT-3'
Protein context (NP_003473.3, residues 2064-2084): AKDNRAAHRI[Asn2074Ser]KVQKQAESQI